The following is an entry in ClinVar:

ClinVar aggregate classification (germline): Uncertain significance (1 of 4 stars; one submission).

Conditions:
Catecholaminergic polymorphic ventricular tachycardia (CVPT). Also called: Catecholamine-induced polymorphic ventricular tachycardia. Identifiers: Orphanet 3286, MedGen C5574922, MONDO:0017990.

Submission:

All of Us Research Program, National Institutes of Health
Classification: Uncertain significance for Catecholaminergic polymorphic ventricular tachycardia. Last evaluated: 2023-11-20. Review status: criteria provided, single submitter. Criteria: ACMG Guidelines, 2015. Collection method: clinical testing. Allele origin: germline. Inheritance: Autosomal dominant inheritance. Observed: 1 variant allele, 1 heterozygote.
Comment: This missense variant replaces methionine with valine at codon 2142 of the RYR2 protein. Computational prediction suggests that this variant may have deleterious impact on protein structure and function (internally defined REVEL score threshold >= 0.7, PMID: 27666373). To our knowledge, functional studies have not been reported for this variant. This variant has not been reported in individuals affected with RYR2-related disorders in the literature. This variant has not been identified in the general population by the Genome Aggregation Database (gnomAD). The available evidence is insufficient to determine the role of this variant in disease conclusively. Therefore, this variant is classified as a Variant of Uncertain Significance.

This study involves interpretation of variants in research participants for the purpose of population health screening. Participant phenotype was not available at the time of variant classification. Additional details can be found in publication PMID: 35346344, PMCID: PMC8962531

NM_001035.3(RYR2):c.6424A>G (p.Met2142Val)

Gene: RYR2 (ryanodine receptor 2; plus strand). Cytogenetic location: 1q43.
Variant type: single nucleotide variant.
Coding change: c.6424A>G on transcript NM_001035.3 (MANE Select); coding-DNA position 6424, A replaced by G.
Protein change: p.Met2142Val; replaces methionine 2142 with valine.
Molecular consequence: missense variant.
Genome position (GRCh38, 1-based): chr1:237,628,064, A>G. VCF-style: chr1-237628064-A-G. GRCh37 (hg19) VCF-style: chr1-237791364-A-G.
Other names: short protein forms M2142V.
Identifiers: ClinVar variation 3074515 (VCV003074515.1), dbSNP rs2546889764, ClinGen allele CA345411520.